The following is an entry in ClinVar:

NM_198525.3(KIF7):c.2384G>T (p.Ser795Ile)

Gene: KIF7 (kinesin family member 7; minus strand). Cytogenetic location: 15q26.1.
Variant type: single nucleotide variant.
Coding change: c.2384G>T on transcript NM_198525.3 (MANE Select); coding-DNA position 2384, G replaced by T.
Protein change: p.Ser795Ile; replaces serine 795 with isoleucine.
Molecular consequence: missense variant.
Genome position (GRCh38, 1-based): chr15:89,642,213, C>A on the plus strand (G>T on the coding strand, the complement: KIF7 is on the minus strand). VCF-style: chr15-89642213-C-A. GRCh37 (hg19) VCF-style: chr15-90185444-C-A.
Other names: short protein forms S795I.
Identifiers: ClinVar variation 1372281 (VCV001372281.6), dbSNP rs756506659, ClinGen allele CA7728210.

ClinVar aggregate classification (germline): Uncertain significance (1 of 4 stars; one submission).

Conditions:
Acrocallosal syndrome (ACLS). Also called: HALLUX DUPLICATION, POSTAXIAL POLYDACTYLY, AND ABSENCE OF CORPUS CALLOSUM; Schinzel syndrome 1; Absence of corpus callosum with unusual facial appearance, mental deficiency, duplication of the halluces and polydactyly. Identifiers: Orphanet 36, MedGen C0796147, MONDO:0008708, OMIM 200990.

Allele frequency attached by ClinVar (database versions not stated): gnomAD exomes below 0.00001 and 0.00001; ExAC 0.00001; TOPMed 0.00001.
gnomAD v4.1: 15 of 1,610,402 alleles (0.00093%); highest among the groups gnomAD compares: Non-Finnish European, 0.0012%; no homozygotes.

Submission:

Labcorp Genetics (formerly Invitae), Labcorp
Classification: Uncertain significance for Acrocallosal syndrome. Last evaluated: 2021-08-03. Review status: criteria provided, single submitter. Criteria: Invitae Variant Classification Sherloc (09022015). Collection method: clinical testing. Allele origin: germline.
Comment: In summary, the available evidence is currently insufficient to determine the role of this variant in disease. Therefore, it has been classified as a Variant of Uncertain Significance. Algorithms developed to predict the effect of missense changes on protein structure and function are either unavailable or do not agree on the potential impact of this missense change (SIFT: "Deleterious"; PolyPhen-2: "Possibly Damaging"; Align-GVGD: "Class C0"). This variant has not been reported in the literature in individuals affected with KIF7-related conditions. This variant is present in population databases (rs756506659, ExAC 0.002%). This sequence change replaces serine with isoleucine at codon 795 of the KIF7 protein (p.Ser795Ile). The serine residue is moderately conserved and there is a large physicochemical difference between serine and isoleucine.